The following is an entry in ClinVar:

NM_007215.4(POLG2):c.442G>C (p.Val148Leu)

Genes: MILR1 (mast cell immunoglobulin like receptor 1; plus strand), POLG2 (DNA polymerase gamma 2, accessory subunit; minus strand). Cytogenetic location: 17q23.3.
Variant type: single nucleotide variant.
Coding change: c.442G>C on transcript NM_007215.4 (MANE Select); coding-DNA position 442, G replaced by C.
Protein change: p.Val148Leu; replaces valine 148 with leucine.
Molecular consequence: missense variant.
Genome position (GRCh38, 1-based): chr17:64,496,527, C>G on the plus strand (G>C on the coding strand, the complement: POLG2 is on the minus strand). VCF-style: chr17-64496527-C-G. GRCh37 (hg19) VCF-style: chr17-62492645-C-G.
Other names: p.Val148Leu; c.442G>C (NM_007215.3); short protein forms V148L.
Identifiers: ClinVar variation 1474788 (VCV001474788.11), dbSNP rs781812766, ClinGen allele CA8713029.
Genomic context (GRCh38, chr17:64,496,527, plus strand): 5'-CTAGCTGTTCCTTACTCAGCTCTTTGTCTTGCAAGATTTCGCGTAGAGTTTCTGCAGAAA[C>G]TAACCTGAAGGCACTGTCCCCGGGTAGCAAAGGGCCTGGTTTGTGGTGGAGGGCGTCCAC-3'
Protein context (NP_009146.2, residues 138-158): LLPGDSAFRL[Val148Leu]SAETLREILQ

ClinVar aggregate classification (germline): Uncertain significance. Review status: criteria provided, multiple submitters, no conflicts (2 of 4 stars). 4 submissions from 4 submitters: Uncertain significance (4). Last evaluated 2025-12-10.

Allele frequency attached by ClinVar (database versions not stated): gnomAD exomes below 0.00001 and 0.00001; ExAC 0.00001.
gnomAD v4.1: 20 of 1,613,848 alleles (0.0012%); highest among the groups gnomAD compares: Non-Finnish European, 0.0014%; no homozygotes.

Submissions (4):

Mayo Clinic Laboratories, Mayo Clinic
Classification: Uncertain significance. Last evaluated: 2025-12-10. Review status: criteria provided, single submitter. Criteria: ACMG Guidelines, 2015. Collection method: clinical testing. Allele origin: germline. Observed: 1 variant allele.

Ambry Genetics
Classification: Uncertain significance. Last evaluated: 2024-11-20. Review status: criteria provided, single submitter. Criteria: Ambry Variant Classification Scheme 2023. Collection method: clinical testing. Allele origin: germline.

Labcorp Genetics (formerly Invitae), Labcorp
Classification: Uncertain significance. Last evaluated: 2024-05-15. Review status: criteria provided, single submitter. Criteria: Invitae Variant Classification Sherloc (09022015). Collection method: clinical testing. Allele origin: germline.
Comment: This sequence change replaces valine, which is neutral and non-polar, with leucine, which is neutral and non-polar, at codon 148 of the POLG2 protein (p.Val148Leu). This variant is present in population databases (rs781812766, gnomAD 0.006%). This variant has not been reported in the literature in individuals affected with POLG2-related conditions. ClinVar contains an entry for this variant (Variation ID: 1474788). An algorithm developed to predict the effect of missense changes on protein structure and function (PolyPhen-2) suggests that this variant is likely to be tolerated. In summary, the available evidence is currently insufficient to determine the role of this variant in disease. Therefore, it has been classified as a Variant of Uncertain Significance.

Blueprint Genetics
Classification: Uncertain significance. Last evaluated: 2022-05-23. Review status: criteria provided, single submitter. Criteria: ACMG Guidelines, 2015. Collection method: clinical testing. Allele origin: germline.